The following is an entry in ClinVar:

NM_144991.3(TSPEAR):c.1925C>G (p.Ala642Gly)

Gene: TSPEAR (thrombospondin type laminin G domain and EAR repeats; minus strand). Cytogenetic location: 21q22.3.
Variant type: single nucleotide variant.
Coding change: c.1925C>G on transcript NM_144991.3 (MANE Select); coding-DNA position 1925, C replaced by G.
Protein change: p.Ala642Gly; replaces alanine 642 with glycine.
Molecular consequence: missense variant.
Genome position (GRCh38, 1-based): chr21:44,499,868, G>C on the plus strand (C>G on the coding strand, the complement: TSPEAR is on the minus strand). VCF-style: chr21-44499868-G-C. GRCh37 (hg19) VCF-style: chr21-45919751-G-C.
Other names: c.1721C>G, p.Ala574Gly (NM_001272037.2); short protein forms A642G, A574G.
Identifiers: ClinVar variation 229375 (VCV000229375.6), dbSNP rs782299333, ClinGen allele CA10577214.
Genomic context (GRCh38, chr21:44,499,868, plus strand): 5'-CTGGAGAGGGGCTCCTTGGCGCTGGAGTAGATGAGGTAGGCACCAGCCGTGGTGCTGAAG[G>C]CCTCCCAGTCCCTGCAGCCGACGGTGGGGAGGCTGTGCACCGCCACGAAGCCCTCGTAGC-3'
Protein context (NP_659428.2, residues 632-652): LPTVGCRDWE[Ala642Gly]FSTTAGAYLI

ClinVar aggregate classification (germline): Uncertain significance. Review status: criteria provided, multiple submitters, no conflicts (2 of 4 stars). 2 submissions from 2 submitters: Uncertain significance (2). Last evaluated 2015-05-28.

Allele frequency attached by ClinVar (database versions not stated): TOPMed 0.00002.
gnomAD v4.1: 8 of 1,605,326 alleles (0.0005%); highest among the groups gnomAD compares: Middle Eastern, 0.068%; no homozygotes.

Submissions (2):

Laboratory for Molecular Medicine, Mass General Brigham Personalized Medicine
Classification: Uncertain significance. Last evaluated: 2015-05-28. Review status: criteria provided, single submitter. Criteria: LMM Criteria. Collection method: clinical testing. Allele origin: germline. Observed: 1 variant allele.
Comment: The p.Ala642Gly variant in TSPEAR has not been previously reported in individual s with hearing loss. Data from large population studies are insufficient to asse ss the frequency of this variant. Computational prediction tools and conservatio n analyses do not provide strong support for or against an impact to the protein . In summary, the clinical significance of the Ala642Gly variant is uncertain.

Breakthrough Genomics
Classification: Uncertain significance. Review status: criteria provided, single submitter. Criteria: ACMG Guidelines, 2015. Collection method: not provided. Allele origin: germline. Inheritance: Autosomal dominant inheritance. Affected: yes.